The following is an entry in ClinVar:

NM_017841.4(SDHAF2):c.124G>A (p.Asp42Asn)

Gene: SDHAF2 (succinate dehydrogenase complex assembly factor 2; plus strand). Cytogenetic location: 11q12.2.
Variant type: single nucleotide variant.
Coding change: c.124G>A on transcript NM_017841.4 (MANE Select); coding-DNA position 124, G replaced by A.
Protein change: p.Asp42Asn; replaces aspartic acid 42 with asparagine.
Molecular consequence: missense variant.
Genome position (GRCh38, 1-based): chr11:61,437,712, G>A. VCF-style: chr11-61437712-G-A. GRCh37 (hg19) VCF-style: chr11-61205184-G-A.
Other names: c.124G>A (NM_017841.2); short protein forms D42N.
Identifiers: ClinVar variation 1475887 (VCV001475887.9), dbSNP rs2134892260, ClinGen allele CA380683183.

ClinVar aggregate classification (germline): Uncertain significance. Review status: criteria provided, multiple submitters, no conflicts (2 of 4 stars). 2 submissions from 2 submitters: Uncertain significance (2). Last evaluated 2025-09-15.

Conditions:
Hereditary pheochromocytoma and paraganglioma. Also called: Hereditary paragangliomas and pheochromocytomas; Hereditary Paraganglioma-Pheochromocytoma Syndromes; Hereditary pheochromocytoma-paraganglioma. Identifiers: Orphanet 29072, MedGen C4274332, MONDO:0017366.
Hereditary cancer-predisposing syndrome. Also called: Tumor predisposition; Hereditary Cancer Syndrome; Hereditary neoplastic syndrome; Neoplastic Syndromes, Hereditary. Identifiers: Orphanet 140162, MedGen C0027672, MeSH D009386, MONDO:0015356.

Submissions (2):

Ambry Genetics
Classification: Uncertain significance for Hereditary cancer-predisposing syndrome. Last evaluated: 2025-09-15. Review status: criteria provided, single submitter. Criteria: Ambry Variant Classification Scheme 2023. Collection method: clinical testing. Allele origin: germline.
Comment: The p.D42N variant (also known as c.124G>A), located in coding exon 2 of the SDHAF2 gene, results from a G to A substitution at nucleotide position 124. The aspartic acid at codon 42 is replaced by asparagine, an amino acid with highly similar properties. This amino acid position is highly conserved in available vertebrate species. In addition, this alteration is predicted to be tolerated by in silico analysis. Based on the available evidence, the clinical significance of this variant remains unclear.

Labcorp Genetics (formerly Invitae), Labcorp
Classification: Uncertain significance for Hereditary pheochromocytoma and paraganglioma. Last evaluated: 2025-08-15. Review status: criteria provided, single submitter. Criteria: Invitae Variant Classification Sherloc (09022015). Collection method: clinical testing. Allele origin: germline.
Comment: This sequence change replaces aspartic acid, which is acidic and polar, with asparagine, which is neutral and polar, at codon 42 of the SDHAF2 protein (p.Asp42Asn). This variant is not present in population databases (gnomAD no frequency). This variant has not been reported in the literature in individuals affected with SDHAF2-related conditions. ClinVar contains an entry for this variant (Variation ID: 1475887). An algorithm developed to predict the effect of missense changes on protein structure and function (PolyPhen-2) suggests that this variant is likely to be disruptive. In summary, the available evidence is currently insufficient to determine the role of this variant in disease. Therefore, it has been classified as a Variant of Uncertain Significance.